The following is an entry in ClinVar:

ClinVar aggregate classification (germline): Benign/Likely benign. Review status: criteria provided, multiple submitters, no conflicts (2 of 4 stars). 12 submissions from 12 submitters: Benign (4); Likely benign (6). 2 of the submissions do not count toward it. Last evaluated 2026-06-01.

Conditions:
Cardiovascular phenotype. Identifiers: MedGen CN230736.
Cardiomyopathy (CMYO). Also called: Cardiomyopathies. Identifiers: Orphanet 167848, MedGen C0878544, MONDO:0004994, HP:0001638. Inheritance: Various modes of inheritance.
Long QT syndrome (LQTS). Identifiers: MedGen C0023976, MeSH D008133, MONDO:0002442. Disease mechanism: loss of function. Inheritance: Various modes of inheritance.
Long QT syndrome 11 (LQT11). Identifiers: Orphanet 101016, Orphanet 768, MedGen C2678483, MONDO:0012738, OMIM 611820.

Allele frequency attached by ClinVar (database versions not stated): 1000 Genomes Project 30x 0.00187; 1000 Genomes Project 0.00200; ESP Exome Variant Server 0.00200; TOPMed 0.00202; gnomAD 0.00249 and 0.00250; gnomAD exomes 0.00333 and 0.00369; ExAC 0.00378.
gnomAD v4.1: 5,729 of 1,613,912 alleles (0.35%); highest among the groups gnomAD compares: Non-Finnish European, 0.4%; 20 homozygotes.

Submissions (12):

CeGaT Center for Human Genetics Tuebingen
Classification: Likely benign. Last evaluated: 2026-06-01. Review status: criteria provided, single submitter. Criteria: CeGaT Center For Human Genetics Tuebingen Variant Classification Criteria Version 2. Collection method: clinical testing. Allele origin: germline. Affected: yes. Observed: 7 variant alleles.
Comment: AKAP9: BP4, BS2

Labcorp Genetics (formerly Invitae), Labcorp
Classification: Benign for Long QT syndrome. Last evaluated: 2026-01-28. Review status: criteria provided, single submitter. Criteria: Invitae Variant Classification Sherloc (09022015). Collection method: clinical testing. Allele origin: germline.

Blueprint Genetics
Classification: Likely benign. Last evaluated: 2024-11-25. Review status: criteria provided, single submitter. Criteria: ACMG Guidelines, 2015. Collection method: clinical testing. Allele origin: germline.

Genome-Nilou Lab
Classification: Benign for Long QT syndrome 11. Last evaluated: 2021-12-05. Review status: criteria provided, single submitter. Criteria: ACMG Guidelines, 2015. Collection method: clinical testing. Allele origin: germline. Affected: no.

Women's Health and Genetics/Laboratory Corporation of America, LabCorp
Classification: Benign. Last evaluated: 2021-03-11. Review status: criteria provided, single submitter. Criteria: LabCorp Variant Classification Summary - May 2015. Collection method: clinical testing. Allele origin: germline.
Comment: Variant summary: AKAP9 c.6556T>C (p.Ser2186Pro) results in a non-conservative amino acid change in the encoded protein sequence. Three of four in-silico tools predict a benign effect of the variant on protein function. The variant allele was found at a frequency of 0.0033 in 251434 control chromosomes in the gnomAD database, including 2 homozygotes. The observed variant frequency is approximately 1000-fold of the estimated maximal expected allele frequency for a pathogenic variant in AKAP9 causing Long QT Syndrome phenotype (3.3e-06), strongly suggesting that the variant is benign. To our knowledge, no occurrence of c.6556T>C in individuals affected with Long QT Syndrome and no experimental evidence demonstrating its impact on protein function have been reported. Three clinical diagnostic laboratories have submitted clinical-significance assessments for this variant to ClinVar after 2014 without evidence for independent evaluation. All laboratories classified the variant as benign (n=2) / likely benign (n=1). Based on the evidence outlined above, the variant was classified as benign.

Center for Advanced Laboratory Medicine, UC San Diego Health, University of California San Diego
Classification: Benign for Cardiomyopathy; Long QT Syndrome. Last evaluated: 2019-04-01. Review status: criteria provided, single submitter. Criteria: ACMG Guidelines, 2015. Collection method: clinical testing. Allele origin: germline. Affected: yes. Observed: 2 variant alleles.

Ambry Genetics
Classification: Likely benign for Cardiovascular phenotype. Last evaluated: 2018-09-07. Review status: criteria provided, single submitter. Criteria: Ambry Variant Classification Scheme 2023. Collection method: clinical testing. Allele origin: germline.

Genome Diagnostics Laboratory, University Medical Center Utrecht
Classification: Likely benign for Long QT syndrome 11. Last evaluated: 2014-10-09. Review status: criteria provided, single submitter. Criteria: ACGS Guidelines, 2013. Collection method: clinical testing. Allele origin: germline. Affected: yes. Study: VKGL Data-share Consensus.

Biesecker Lab/Clinical Genomics Section, National Institutes of Health
Classification: Likely benign. Last evaluated: 2013-06-24. Review status: criteria provided, single submitter. Criteria: Ng et al. (Circ Cardiovasc Genet. 2013). Collection method: research. Allele origin: unknown. Observed: 2 variant alleles. Study: ClinSeq.
Comment: The study set was not selected for affection status in relation to any cancer. Pathogenicity categories were based on literature curation. See Pubmed ID:23861362 for details.

Medical sequencing

Breakthrough Genomics
Classification: Likely benign. Review status: criteria provided, single submitter. Criteria: ACMG Guidelines, 2015. Collection method: not provided. Allele origin: germline. Inheritance: Autosomal dominant inheritance. Affected: yes.

Clinical Genetics, Academic Medical Center
Classification: Benign. Review status: no assertion criteria provided. Collection method: clinical testing. Allele origin: germline. Affected: yes. Study: VKGL Data-share Consensus. Not counted in ClinVar's aggregate classification.

Joint Genome Diagnostic Labs from Nijmegen and Maastricht, Radboudumc and MUMC+
Classification: Benign. Review status: no assertion criteria provided. Collection method: clinical testing. Allele origin: germline. Affected: yes. Study: VKGL Data-share Consensus. Not counted in ClinVar's aggregate classification.

NM_005751.5(AKAP9):c.6556T>C (p.Ser2186Pro)

Gene: AKAP9 (A-kinase anchoring protein 9; plus strand). Cytogenetic location: 7q21.2.
Variant type: single nucleotide variant.
Coding change: c.6556T>C on transcript NM_005751.5 (MANE Select); coding-DNA position 6556, T replaced by C.
Protein change: p.Ser2186Pro; replaces serine 2186 with proline.
Molecular consequence: missense variant.
Genome position (GRCh38, 1-based): chr7:92,070,953, T>C. VCF-style: chr7-92070953-T-C. GRCh37 (hg19) VCF-style: chr7-91700267-T-C.
Other names: c.1201T>C, p.Ser401Pro (NM_001379277.1); c.6532T>C, p.Ser2178Pro (NM_147185.3); short protein forms S2186P, S2178P, S401P.
Identifiers: ClinVar variation 191520 (VCV000191520.48), dbSNP rs76177450, ClinGen allele CA236882.